The following is an entry in ClinVar:

ClinVar aggregate classification (germline): Uncertain significance (1 of 4 stars; one submission).

gnomAD v4.1: 1 of 1,591,474 alleles (0.000063%); highest among the groups gnomAD compares: African/African-American, 0.0013%; no homozygotes.

Submission:

Labcorp Genetics (formerly Invitae), Labcorp
Classification: Uncertain significance. Last evaluated: 2025-06-05. Review status: criteria provided, single submitter. Criteria: Invitae Variant Classification Sherloc (09022015). Collection method: clinical testing. Allele origin: germline.
Comment: This sequence change replaces aspartic acid, which is acidic and polar, with glycine, which is neutral and non-polar, at codon 2209 of the FBN3 protein (p.Asp2209Gly). This variant is not present in population databases (gnomAD no frequency). This variant has not been reported in the literature in individuals affected with FBN3-related conditions. Invitae Evidence Modeling of protein sequence and biophysical properties (such as structural, functional, and spatial information, amino acid conservation, physicochemical variation, residue mobility, and thermodynamic stability) has been performed for this missense variant. However, the output from this modeling did not meet the statistical confidence thresholds required to predict the impact of this variant on FBN3 protein function. In summary, the available evidence is currently insufficient to determine the role of this variant in disease. Therefore, it has been classified as a Variant of Uncertain Significance.

NM_032447.5(FBN3):c.6626A>G (p.Asp2209Gly)

Gene: FBN3 (fibrillin 3; minus strand). Cytogenetic location: 19p13.2.
Variant type: single nucleotide variant.
Coding change: c.6626A>G on transcript NM_032447.5 (MANE Select); coding-DNA position 6626, A replaced by G.
Protein change: p.Asp2209Gly; replaces aspartic acid 2209 with glycine.
Molecular consequence: missense variant.
Genome position (GRCh38, 1-based): chr19:8,087,205, T>C on the plus strand (A>G on the coding strand, the complement: FBN3 is on the minus strand). VCF-style: chr19-8087205-T-C. GRCh37 (hg19) VCF-style: chr19-8152089-T-C.
Other names: c.6626A>G, p.Asp2209Gly (NM_001321431.2); short protein forms D2209G.
Identifiers: ClinVar variation 4769259 (VCV004769259.1).
Genomic context (GRCh38, chr19:8,087,205, plus strand): 5'-ATGAGGTTCTTGCACTCCATGCCCCGGGCGTGGCAGTCCTGCTGACCATCTGCACACTCG[T>C]CCACATCTTCGGATGACCAGAGACAGATGGTCAGTCAAGGCCAGGCACCCTATGGCTGTG-3'
Protein context (NP_115823.3, residues 2199-2219): REDGAMCRDV[Asp2209Gly]ECADGQQDCH